The following is an entry in ClinVar:

ClinVar aggregate classification (germline): Benign/Likely benign. Review status: criteria provided, multiple submitters, no conflicts (2 of 4 stars). 4 submissions from 4 submitters: Benign (2); Likely benign (2). Last evaluated 2026-02-04.

Conditions:
Spermatogenic failure 18. Identifiers: MedGen C4539783, MONDO:0054615, OMIM 617576.
Ciliary dyskinesia, primary, 37 (CILD37). Also called: CILIARY DYSKINESIA, PRIMARY, 37, WITH OR WITHOUT SITUS INVERSUS. Identifiers: MedGen C4539798, MONDO:0033204, OMIM 617577.

Allele frequency attached by ClinVar (database versions not stated): 1000 Genomes Project 30x 0.02717; 1000 Genomes Project 0.02776; gnomAD 0.03407 and 0.03445; ExAC 0.03465; gnomAD exomes 0.03540 and 0.04307; TOPMed 0.03550; ESP Exome Variant Server 0.03565.
gnomAD v4.1: 68,296 of 1,613,948 alleles (4.2%); highest among the groups gnomAD compares: Non-Finnish European, 4.8%; 1,663 homozygotes.

Submissions (4):

Labcorp Genetics (formerly Invitae), Labcorp
Classification: Benign for Ciliary dyskinesia, primary, 37; Spermatogenic failure 18. Last evaluated: 2026-02-04. Review status: criteria provided, single submitter. Criteria: Invitae Variant Classification Sherloc (09022015). Collection method: clinical testing. Allele origin: germline.

Mayo Clinic Laboratories, Mayo Clinic
Classification: Benign. Last evaluated: 2023-04-25. Review status: criteria provided, single submitter. Criteria: ACMG Guidelines, 2015. Collection method: clinical testing. Allele origin: germline. Observed: 14 variant alleles.
Comment: BA1, BP4, BP7

GeneDx
Classification: Likely benign. Last evaluated: 2018-07-09. Review status: criteria provided, single submitter. Criteria: GeneDx Variant Classification Process June 2021. Collection method: clinical testing. Allele origin: germline. Affected: yes.

Breakthrough Genomics
Classification: Likely benign. Review status: criteria provided, single submitter. Criteria: ACMG Guidelines, 2015. Collection method: not provided. Allele origin: germline. Inheritance: Autosomal recessive inheritance. Affected: yes.

NM_015512.5(DNAH1):c.2430C>T (p.Thr810=)

Gene: DNAH1 (dynein axonemal heavy chain 1; plus strand). Cytogenetic location: 3p21.1.
Variant type: single nucleotide variant.
Coding change: c.2430C>T on transcript NM_015512.5 (MANE Select); coding-DNA position 2430, C replaced by T.
Protein change: p.Thr810=; no amino-acid change (threonine 810 retained).
Molecular consequence: synonymous variant.
Genome position (GRCh38, 1-based): chr3:52,349,324, C>T. VCF-style: chr3-52349324-C-T. GRCh37 (hg19) VCF-style: chr3-52383340-C-T.
Other names: p.Thr810=.
Identifiers: ClinVar variation 478430 (VCV000478430.15), dbSNP rs35982798, ClinGen allele CA2433251.